The following is an entry in ClinVar:

ClinVar aggregate classification (germline): Uncertain significance (1 of 4 stars; one submission).

Allele frequency attached by ClinVar (database versions not stated): TOPMed below 0.00001.
gnomAD v4.1: 5 of 1,606,818 alleles (0.00031%); highest among the groups gnomAD compares: Non-Finnish European, 0.00042%; no homozygotes.

Submission:

Ambry Genetics
Classification: Uncertain significance. Last evaluated: 2024-11-03. Review status: criteria provided, single submitter. Criteria: Ambry Variant Classification Scheme 2023. Collection method: clinical testing. Allele origin: germline.
Comment: The p.P1039A variant (also known as c.3115C>G), located in coding exon 25 of the BUB1 gene, results from a C to G substitution at nucleotide position 3115. The proline at codon 1039 is replaced by alanine, an amino acid with highly similar properties. This amino acid position is conserved. In addition, the in silico prediction for this alteration is inconclusive. Since supporting evidence is limited at this time, the clinical significance of this alteration remains unclear.

NM_004336.5(BUB1):c.3115C>G (p.Pro1039Ala)

Gene: BUB1 (BUB1 mitotic checkpoint serine/threonine kinase; minus strand). Cytogenetic location: 2q13.
Variant type: single nucleotide variant.
Coding change: c.3115C>G on transcript NM_004336.5 (MANE Select); coding-DNA position 3115, C replaced by G.
Protein change: p.Pro1039Ala; replaces proline 1039 with alanine.
Molecular consequence: missense variant.
Genome position (GRCh38, 1-based): chr2:110,638,107, G>C on the plus strand (C>G on the coding strand, the complement: BUB1 is on the minus strand). VCF-style: chr2-110638107-G-C. GRCh37 (hg19) VCF-style: chr2-111395684-G-C.
Other names: c.3055C>G, p.Pro1019Ala (NM_001278616.2); c.2944C>G, p.Pro982Ala (NM_001278617.2); short protein forms P1019A, P1039A, P982A.
Identifiers: ClinVar variation 1727795 (VCV001727795.3), dbSNP rs1009345099, ClinGen allele CA53520616.